The following is an entry in ClinVar:

ClinVar aggregate classification (germline): Uncertain significance (1 of 4 stars; one submission).

Conditions:
Adams-Oliver syndrome 5 (AOS5). Identifiers: Orphanet 974, MedGen C4014970, MONDO:0014459, OMIM 616028.

Allele frequency attached by ClinVar (database versions not stated): gnomAD exomes below 0.00001; ExAC 0.00002.
gnomAD v4.1: 1 of 1,588,052 alleles (0.000063%); highest among the groups gnomAD compares: Admixed American, 0.0018%; no homozygotes.

Submission:

Labcorp Genetics (formerly Invitae), Labcorp
Classification: Uncertain significance for Adams-Oliver syndrome 5. Last evaluated: 2022-08-23. Review status: criteria provided, single submitter. Criteria: Invitae Variant Classification Sherloc (09022015). Collection method: clinical testing. Allele origin: germline.
Comment: This sequence change replaces proline, which is neutral and non-polar, with serine, which is neutral and polar, at codon 1581 of the NOTCH1 protein (p.Pro1581Ser). The frequency data for this variant in the population databases is considered unreliable, as metrics indicate poor data quality at this position in the gnomAD database. In summary, the available evidence is currently insufficient to determine the role of this variant in disease. Therefore, it has been classified as a Variant of Uncertain Significance. Advanced modeling of protein sequence and biophysical properties (such as structural, functional, and spatial information, amino acid conservation, physicochemical variation, residue mobility, and thermodynamic stability) performed at Invitae indicates that this missense variant is not expected to disrupt NOTCH1 protein function. ClinVar contains an entry for this variant (Variation ID: 1042240). This variant has not been reported in the literature in individuals affected with NOTCH1-related conditions.

NM_017617.5(NOTCH1):c.4741C>T (p.Pro1581Ser)

Gene: NOTCH1 (notch receptor 1; minus strand). Cytogenetic location: 9q34.3.
Variant type: single nucleotide variant.
Coding change: c.4741C>T on transcript NM_017617.5 (MANE Select); coding-DNA position 4741, C replaced by T.
Protein change: p.Pro1581Ser; replaces proline 1581 with serine.
Molecular consequence: missense variant.
Genome position (GRCh38, 1-based): chr9:136,504,950, G>A on the plus strand (C>T on the coding strand, the complement: NOTCH1 is on the minus strand). VCF-style: chr9-136504950-G-A. GRCh37 (hg19) VCF-style: chr9-139399402-G-A.
Other names: short protein forms P1581S.
Identifiers: ClinVar variation 1042240 (VCV001042240.8), dbSNP rs769288225, ClinGen allele CA5340525.